The following is an entry in ClinVar:

ClinVar aggregate classification (germline): Likely pathogenic (1 of 4 stars; one submission).

Conditions:
Microcephalic primordial dwarfism due to ZNF335 deficiency. Also called: Primary autosomal recessive microcephaly 10. Identifiers: Orphanet 329228, MedGen C3554499, MONDO:0014043, OMIM 615095.

gnomAD v4.1: 3 of 1,614,174 alleles (0.00019%); highest among the groups gnomAD compares: Non-Finnish European, 0.00025%; no homozygotes.

Submission:

Breakthrough Genomics
Classification: Likely pathogenic for Microcephalic primordial dwarfism due to ZNF335 deficiency. Last evaluated: 2020-02-25. Review status: criteria provided, single submitter. Criteria: ACMG Guidelines, 2015. Collection method: clinical testing. Allele origin: germline. Affected: yes.
Comment: This variant has not been previously reported in the literature. However, in ClinVar database, another missense variant c.1399T>C (p.Cys467Arg) lying in the same domain of the identified variant has been reported as likely pathogenic in the context of primary autosomal recessive microcephaly 10.

NM_022095.4(ZNF335):c.1460A>G (p.His487Arg)

Gene: ZNF335 (zinc finger protein 335; minus strand). Cytogenetic location: 20q13.12.
Variant type: single nucleotide variant.
Coding change: c.1460A>G on transcript NM_022095.4 (MANE Select); coding-DNA position 1460, A replaced by G.
Protein change: p.His487Arg; replaces histidine 487 with arginine.
Molecular consequence: missense variant.
Genome position (GRCh38, 1-based): chr20:45,963,546, T>C on the plus strand (A>G on the coding strand, the complement: ZNF335 is on the minus strand). VCF-style: chr20-45963546-T-C. GRCh37 (hg19) VCF-style: chr20-44592185-T-C.
Other names: p.His487Arg; short protein forms H487R.
Identifiers: ClinVar variation 3255579 (VCV003255579.2).